The following is an entry in ClinVar:

ClinVar aggregate classification (germline): Uncertain significance (1 of 4 stars; one submission).

Allele frequency attached by ClinVar (database versions not stated): gnomAD exomes below 0.00001; ExAC 0.00001.
gnomAD v4.1: 1 of 1,614,102 alleles (0.000062%); highest among the groups gnomAD compares: Admixed American, 0.0017%; no homozygotes.

Submission:

Labcorp Genetics (formerly Invitae), Labcorp
Classification: Uncertain significance. Last evaluated: 2022-07-13. Review status: criteria provided, single submitter. Criteria: Invitae Variant Classification Sherloc (09022015). Collection method: clinical testing. Allele origin: germline.
Comment: This sequence change replaces histidine, which is basic and polar, with asparagine, which is neutral and polar, at codon 566 of the ABCA4 protein (p.His566Asn). This variant is not present in population databases (gnomAD no frequency). This variant has not been reported in the literature in individuals affected with ABCA4-related conditions. Advanced modeling of protein sequence and biophysical properties (such as structural, functional, and spatial information, amino acid conservation, physicochemical variation, residue mobility, and thermodynamic stability) performed at Invitae indicates that this missense variant is expected to disrupt ABCA4 protein function. In summary, the available evidence is currently insufficient to determine the role of this variant in disease. Therefore, it has been classified as a Variant of Uncertain Significance.

NM_000350.3(ABCA4):c.1696C>A (p.His566Asn)

Gene: ABCA4 (ATP binding cassette subfamily A member 4; minus strand). Cytogenetic location: 1p22.1.
Variant type: single nucleotide variant.
Coding change: c.1696C>A on transcript NM_000350.3 (MANE Select); coding-DNA position 1696, C replaced by A.
Protein change: p.His566Asn; replaces histidine 566 with asparagine.
Molecular consequence: missense variant.
Genome position (GRCh38, 1-based): chr1:94,063,176, G>T on the plus strand (C>A on the coding strand, the complement: ABCA4 is on the minus strand). VCF-style: chr1-94063176-G-T. GRCh37 (hg19) VCF-style: chr1-94528732-G-T.
Other names: c.1696C>A, p.His566Asn (NM_001425324.1); short protein forms H566N.
Identifiers: ClinVar variation 1950639 (VCV001950639.2), dbSNP rs761105591, ClinGen allele CA958454.